The following is an entry in ClinVar:

ClinVar aggregate classification (germline): Uncertain significance. Review status: criteria provided, multiple submitters, no conflicts (2 of 4 stars). 7 submissions from 7 submitters: Uncertain significance (7). Last evaluated 2026-01-10.

Conditions:
Hereditary nonpolyposis colorectal neoplasms. Identifiers: MedGen C0009405, MeSH D003123.
Hereditary cancer-predisposing syndrome. Also called: Hereditary Cancer Syndrome; Hereditary neoplastic syndrome; Neoplastic Syndromes, Hereditary; Tumor predisposition. Identifiers: Orphanet 140162, MedGen C0027672, MeSH D009386, MONDO:0015356.

Allele frequency attached by ClinVar (database versions not stated): gnomAD exomes below 0.00001; TOPMed below 0.00001.
gnomAD v4.1: 1 of 1,611,078 alleles (0.000062%); no homozygotes.

Submissions (7):

Labcorp Genetics (formerly Invitae), Labcorp
Classification: Uncertain significance for Hereditary nonpolyposis colorectal neoplasms. Last evaluated: 2026-01-10. Review status: criteria provided, single submitter. Criteria: Invitae Variant Classification Sherloc (09022015). Collection method: clinical testing. Allele origin: germline.
Comment: This sequence change replaces lysine, which is basic and polar, with arginine, which is basic and polar, at codon 1358 of the MSH6 protein (p.Lys1358Arg). This variant is not present in population databases (gnomAD no frequency). This variant has not been reported in the literature in individuals affected with MSH6-related conditions. ClinVar contains an entry for this variant (Variation ID: 455321). Invitae Evidence Modeling of protein sequence and biophysical properties (such as structural, functional, and spatial information, amino acid conservation, physicochemical variation, residue mobility, and thermodynamic stability) indicates that this missense variant is not expected to disrupt MSH6 protein function with a negative predictive value of 95%. Algorithms developed to predict the effect of sequence changes on RNA splicing suggest that this variant may disrupt the consensus splice site. In summary, the available evidence is currently insufficient to determine the role of this variant in disease. Therefore, it has been classified as a Variant of Uncertain Significance.

Ambry Genetics
Classification: Uncertain significance for Hereditary cancer-predisposing syndrome. Last evaluated: 2024-10-29. Review status: criteria provided, single submitter. Criteria: Ambry Variant Classification Scheme 2023. Collection method: clinical testing. Allele origin: germline.
Comment: The p.K1358R variant (also known as c.4073A>G), located in coding exon 10 of the MSH6 gene, results from an A to G substitution at nucleotide position 4073. The lysine at codon 1358 is replaced by arginine, an amino acid with highly similar properties. This amino acid position is conserved. In addition, this alteration is predicted to be tolerated by in silico analysis. Since supporting evidence is limited at this time, the clinical significance of this alteration remains unclear.

Hereditary Cancer Laboratory, Hospital Universitario 12 de Octubre
Classification: Uncertain significance for Hereditary cancer-predisposing syndrome. Last evaluated: 2024-08-12. Review status: criteria provided, single submitter. Criteria: ACMG Guidelines, 2015. Collection method: clinical testing. Allele origin: germline.
Comment: PM2+BP4+BP1

Women's Health and Genetics/Laboratory Corporation of America, LabCorp
Classification: Uncertain significance. Last evaluated: 2024-05-01. Review status: criteria provided, single submitter. Criteria: LabCorp Variant Classification Summary - May 2015. Collection method: clinical testing. Allele origin: germline.

Color Diagnostics, LLC DBA Color Health
Classification: Uncertain significance for Hereditary cancer-predisposing syndrome. Last evaluated: 2024-03-06. Review status: criteria provided, single submitter. Criteria: ACMG Guidelines, 2015. Collection method: clinical testing. Allele origin: germline.
Comment: This missense variant replaces lysine with arginine at codon 1358 of the MSH6 protein. Computational prediction suggests that this variant may not impact protein structure and function (internally defined REVEL score threshold <= 0.5, PMID: 27666373). To our knowledge, functional studies have not been reported for this variant. This variant has not been reported in individuals affected with MSH6-related disorders in the literature. This variant has not been identified in the general population by the Genome Aggregation Database (gnomAD). The available evidence is insufficient to determine the role of this variant in disease conclusively. Therefore, this variant is classified as a Variant of Uncertain Significance.

Mayo Clinic Laboratories, Mayo Clinic
Classification: Uncertain significance. Last evaluated: 2024-01-04. Review status: criteria provided, single submitter. Criteria: ACMG Guidelines, 2015. Collection method: clinical testing. Allele origin: germline. Observed: 1 variant allele.
Comment: BP4

GeneDx
Classification: Uncertain significance. Last evaluated: 2022-03-30. Review status: criteria provided, single submitter. Criteria: GeneDx Variant Classification Process June 2021. Collection method: clinical testing. Allele origin: germline. Affected: yes.
Comment: Not observed at significant frequency in large population cohorts (gnomAD); In silico analysis supports that this missense variant does not alter protein structure/function; Has not been previously published as pathogenic or benign to our knowledge; This variant is associated with the following publications: (PMID: 17531815, 21120944, 12019211)

NM_000179.3(MSH6):c.4073A>G (p.Lys1358Arg)

Gene: MSH6 (mutS homolog 6; plus strand). Cytogenetic location: 2p16.3.
Variant type: single nucleotide variant.
Coding change: c.4073A>G on transcript NM_000179.3 (MANE Select); coding-DNA position 4073, A replaced by G.
Protein change: p.Lys1358Arg; replaces lysine 1358 with arginine.
Molecular consequence: missense variant.
Genome position (GRCh38, 1-based): chr2:47,806,850, A>G. VCF-style: chr2-47806850-A-G. GRCh37 (hg19) VCF-style: chr2-48033989-A-G.
Other names: p.Lys1358Arg; c.3683A>G, p.Lys1228Arg (NM_001281492.2); c.3167A>G, p.Lys1056Arg (NM_001281493.2, NM_001281494.2); short protein forms K1358R, K1228R, K1056R.
Identifiers: ClinVar variation 455321 (VCV000455321.20), dbSNP rs1553334111, ClinGen allele CA346761761.
Genomic context (GRCh38, chr2:47,806,850, plus strand): 5'-TGGCTAGTGAAAGGTCAACTGTAGATGCTGAAGCTGTCCATAAATTGCTGACTTTGATTA[A>G]GGAATTATAGACTGACTACATTGGAAGCTTTGAGTTGACTTCTGACAAAGGTGGTAAATT-3'
Protein context (NP_000170.1, residues 1348-1360): EAVHKLLTLI[Lys1358Arg]EL